The following is an entry in ClinVar:

ClinVar aggregate classification (germline): Conflicting classifications of pathogenicity. Review status: criteria provided, conflicting classifications (1 of 4 stars). 4 submissions from 4 submitters: Uncertain significance (3); Likely benign (1). Last evaluated 2024-09-26.

Conditions:
Hereditary cancer-predisposing syndrome. Also called: Tumor predisposition; Hereditary Cancer Syndrome; Neoplastic Syndromes, Hereditary; Hereditary neoplastic syndrome. Identifiers: Orphanet 140162, MedGen C0027672, MeSH D009386, MONDO:0015356.
Hereditary breast ovarian cancer syndrome. Also called: Hereditary breast and ovarian cancer syndrome; Hereditary breast and ovarian cancer; Hereditary breast and ovarian cancer syndrome (HBOC); Hereditary breast and/or ovarian cancer syndrome; Breast and ovarian cancer; BRCA1- and BRCA2-Associated Hereditary Breast and Ovarian Cancer. Identifiers: Orphanet 145, MedGen C0677776, MeSH D061325, MONDO:0003582. Disease mechanism: loss of function.

Submissions (4):

Ambry Genetics
Classification: Uncertain significance for Hereditary cancer-predisposing syndrome. Last evaluated: 2024-09-26. Review status: criteria provided, single submitter. Criteria: Ambry Variant Classification Scheme 2023. Collection method: clinical testing. Allele origin: germline.
Comment: The p.S955P variant (also known as c.2863T>C), located in coding exon 9 of the BRCA1 gene, results from a T to C substitution at nucleotide position 2863. The serine at codon 955 is replaced by proline, an amino acid with similar properties. This amino acid position is conserved. In addition, the in silico prediction for this alteration is inconclusive. Based on the available evidence, the clinical significance of this variant remains unclear.

University of Washington Department of Laboratory Medicine, University of Washington
Classification: Likely benign for Hereditary cancer-predisposing syndrome. Last evaluated: 2023-03-23. Review status: criteria provided, single submitter. Criteria: Dines et al. (Genet Med. 2020). Collection method: curation. Allele origin: germline.
Comment: Missense variant in a coldspot region where missense variants are very unlikely to be pathogenic (PMID:31911673).

BRCA1 coldspot (exon 11 using historical exon numbering). Reclassification based on statistical prior probability

Color Diagnostics, LLC DBA Color Health
Classification: Uncertain significance for Hereditary cancer-predisposing syndrome. Last evaluated: 2021-04-06. Review status: criteria provided, single submitter. Criteria: ACMG Guidelines, 2015. Collection method: clinical testing. Allele origin: germline.
Comment: This missense variant replaces serine with proline at codon 955 of the BRCA1 protein. Computational prediction suggests that this variant may not impact protein structure and function (internally defined REVEL score threshold <= 0.5, PMID: 27666373). To our knowledge, functional studies have not been reported for this variant. This variant has not been reported in individuals affected with hereditary cancer in the literature. This variant has not been identified in the general population by the Genome Aggregation Database (gnomAD). The available evidence is insufficient to determine the role of this variant in disease conclusively. Therefore, this variant is classified as a Variant of Uncertain Significance.

Labcorp Genetics (formerly Invitae), Labcorp
Classification: Uncertain significance for Hereditary breast ovarian cancer syndrome. Last evaluated: 2021-02-04. Review status: criteria provided, single submitter. Criteria: Invitae Variant Classification Sherloc (09022015). Collection method: clinical testing. Allele origin: germline.
Comment: This sequence change replaces serine with proline at codon 955 of the BRCA1 protein (p.Ser955Pro). The serine residue is moderately conserved and there is a moderate physicochemical difference between serine and proline. This variant is not present in population databases (ExAC no frequency). This variant has not been reported in the literature in individuals with BRCA1-related conditions. Advanced modeling of protein sequence and biophysical properties (such as structural, functional, and spatial information, amino acid conservation, physicochemical variation, residue mobility, and thermodynamic stability) performed at Invitae indicates that this missense variant is not expected to disrupt BRCA1 protein function. In summary, the available evidence is currently insufficient to determine the role of this variant in disease. Therefore, it has been classified as a Variant of Uncertain Significance.

NM_007294.4(BRCA1):c.2863T>C (p.Ser955Pro)

Gene: BRCA1 (BRCA1 DNA repair associated; minus strand). Cytogenetic location: 17q21.31.
Variant type: single nucleotide variant.
Coding change: c.2863T>C on transcript NM_007294.4 (MANE Select); coding-DNA position 2863, T replaced by C.
Protein change: p.Ser955Pro; replaces serine 955 with proline.
Molecular consequence: missense variant. On other transcripts: intron variant (137).
Genome position (GRCh38, 1-based): chr17:43,092,668, A>G on the plus strand (T>C on the coding strand, the complement: BRCA1 is on the minus strand). VCF-style: chr17-43092668-A-G. GRCh37 (hg19) VCF-style: chr17-41244685-A-G.
Other names: c.2650T>C, p.Ser884Pro (NM_001407571.1, NM_001407853.1, NM_001407894.1 and 9 more transcripts); c.2863T>C, p.Ser955Pro (NM_001407581.1, NM_001407582.1, NM_001407583.1 and 30 more transcripts); c.2860T>C, p.Ser954Pro (NM_001407587.1, NM_001407590.1, NM_001407591.1 and 22 more transcripts); c.2854T>C, p.Ser952Pro (NM_001407646.1, NM_001407647.1); c.2740T>C, p.Ser914Pro (NM_001407648.1, NM_001407664.1, NM_001407665.1 and 19 more transcripts); c.2737T>C, p.Ser913Pro (NM_001407649.1, NM_001407670.1, NM_001407671.1 and 11 more transcripts); c.2785T>C, p.Ser929Pro (NM_001407653.1, NM_001407654.1, NM_001407655.1 and 4 more transcripts); c.2782T>C, p.Ser928Pro (NM_001407659.1, NM_001407660.1, NM_001407661.1 and 1 more transcripts); and 41 more; short protein forms S908P, S955P, S843P, S866P, S867P, S888P, S907P, S954P.
Identifiers: ClinVar variation 1332354 (VCV001332354.14), dbSNP rs2154355696, ClinGen allele CA10596259.